The following is an entry in ClinVar:

NM_000334.4(SCN4A):c.1570_1584del (p.Ser524_Ser528del)

Gene: SCN4A (sodium voltage-gated channel alpha subunit 4; minus strand). Cytogenetic location: 17q23.3.
Variant type: Deletion.
Coding change: c.1570_1584del on transcript NM_000334.4 (MANE Select); coding-DNA positions 1570 to 1584, 15 bases deleted (AGCAGCGGAGACAGC).
Protein change: p.Ser524_Ser528del.
Molecular consequence: inframe deletion.
Genome position (GRCh38, 1-based): chr17:63,963,694-63,963,708, GCTGTCTCCGCTGCT deleted on the plus strand (AGCAGCGGAGACAGC on the coding strand, the reverse complement: SCN4A is on the minus strand); deleting any 15 consecutive bases within chr17:63,963,694-63,963,711 gives the same sequence; the c. name uses the placement nearest the transcript's 3' end. VCF-style (leftmost placement, unchanged base first): chr17-63963693-CGCTGTCTCCGCTGCT-C. GRCh37 (hg19) VCF-style: chr17-62041053-CGCTGTCTCCGCTGCT-C.
Identifiers: ClinVar variation 2733058 (VCV002733058.3), dbSNP rs757293710, ClinGen allele CA8709802.

ClinVar aggregate classification (germline): Uncertain significance (1 of 4 stars; one submission).

Conditions:
Hyperkalemic periodic paralysis. Also called: Familial hyperkalemic periodic paralysis; Gamstorp disease. Identifiers: Orphanet 682, MedGen C0238357, MONDO:0008224, OMIM 170500, HP:0007215.

Submission:

Labcorp Genetics (formerly Invitae), Labcorp
Classification: Uncertain significance for Hyperkalemic periodic paralysis. Last evaluated: 2023-12-13. Review status: criteria provided, single submitter. Criteria: Invitae Variant Classification Sherloc (09022015). Collection method: clinical testing. Allele origin: germline.
Comment: This variant, c.1570_1584del, results in the deletion of 5 amino acid(s) of the SCN4A protein (p.Ser524_Ser528del), but otherwise preserves the integrity of the reading frame. This variant is present in population databases (rs757293710, gnomAD 0.006%). This variant has not been reported in the literature in individuals affected with SCN4A-related conditions. Experimental studies and prediction algorithms are not available or were not evaluated, and the functional significance of this variant is currently unknown. This variant disrupts a region of the SCN4A protein in which other variant(s) (p.Ser528Ile) have been observed in individuals with SCN4A-related conditions (Invitae). This suggests that this is a clinically significant region of the protein, and that variants that disrupt it are likely to be disease-causing. In summary, the available evidence is currently insufficient to determine the role of this variant in disease. Therefore, it has been classified as a Variant of Uncertain Significance.